The following is an entry in ClinVar:

ClinVar aggregate classification (germline): Uncertain significance (1 of 4 stars; one submission).

Conditions:
Rhabdoid tumor predisposition syndrome 2 (RTPS2). Identifiers: Orphanet 231108, Orphanet 69077, MedGen C2750074, MONDO:0013224, OMIM 613325.

Submission:

Labcorp Genetics (formerly Invitae), Labcorp
Classification: Uncertain significance for Rhabdoid tumor predisposition syndrome 2. Last evaluated: 2024-08-30. Review status: criteria provided, single submitter. Criteria: Invitae Variant Classification Sherloc (09022015). Collection method: clinical testing. Allele origin: germline.
Comment: This sequence change replaces aspartic acid, which is acidic and polar, with glutamic acid, which is acidic and polar, at codon 697 of the SMARCA4 protein (p.Asp697Glu). This variant is not present in population databases (gnomAD no frequency). This variant has not been reported in the literature in individuals affected with SMARCA4-related conditions. Invitae Evidence Modeling of protein sequence and biophysical properties (such as structural, functional, and spatial information, amino acid conservation, physicochemical variation, residue mobility, and thermodynamic stability) indicates that this missense variant is not expected to disrupt SMARCA4 protein function with a negative predictive value of 95%. In summary, the available evidence is currently insufficient to determine the role of this variant in disease. Therefore, it has been classified as a Variant of Uncertain Significance.

NM_003072.5(SMARCA4):c.2091C>A (p.Asp697Glu)

Gene: SMARCA4 (SWI/SNF related BAF chromatin remodeling complex subunit ATPase 4; plus strand). Cytogenetic location: 19p13.2.
Variant type: single nucleotide variant.
Coding change: c.2091C>A on transcript NM_003072.5 (MANE Select); coding-DNA position 2091, C replaced by A.
Protein change: p.Asp697Glu; replaces aspartic acid 697 with glutamic acid.
Molecular consequence: missense variant. On other transcripts: non-coding transcript variant (1).
Genome position (GRCh38, 1-based): chr19:11,007,991, C>A. VCF-style: chr19-11007991-C-A. GRCh37 (hg19) VCF-style: chr19-11118667-C-A.
Other names: c.2091C>A, p.Asp697Glu (NM_001128844.3, NM_001128845.2, NM_001128846.2 and 6 more transcripts); short protein forms D697E.
Identifiers: ClinVar variation 3719384 (VCV003719384.2).
Genomic context (GRCh38, chr19:11,007,991, plus strand): 5'-ACAGCCTCCCACCCTGCCCGTGGAGGAGAAGAAGAAGATTCCAGATCCAGACAGCGATGA[C>A]GTCTCTGAGGTGGACGCGCGGCACATCATTGAGTAAGGGGTCCCGACACAGGTTGTTCTG-3'
Protein context (NP_003063.2, residues 687-707): KKKIPDPDSD[Asp697Glu]VSEVDARHII